The following is an entry in ClinVar:

ClinVar aggregate classification (germline): Benign/Likely benign. Review status: criteria provided, multiple submitters, no conflicts (2 of 4 stars). 4 submissions from 4 submitters: Benign (1); Likely benign (3). Last evaluated 2026-07-06.

Conditions:
Coffin-Siris syndrome. Identifiers: Orphanet 1465, MedGen C0265338, MONDO:0015452.
Intellectual disability, autosomal dominant 16 (CSS4). Also called: COFFIN-SIRIS SYNDROME 4. Identifiers: Orphanet 1465, MedGen C3553249, MONDO:0013821, OMIM 614609.
Rhabdoid tumor predisposition syndrome 2 (RTPS2). Identifiers: Orphanet 231108, Orphanet 69077, MedGen C2750074, MONDO:0013224, OMIM 613325.

Allele frequency attached by ClinVar (database versions not stated): TOPMed 0.00002; gnomAD 0.00001; ExAC 0.00002; gnomAD exomes 0.00003 and 0.00001.
gnomAD v4.1: 11 of 1,613,524 alleles (0.00068%); highest among the groups gnomAD compares: Admixed American, 0.0017%; no homozygotes.

Submissions (4):

Myriad Genetics, Inc.
Classification: Likely benign for Rhabdoid tumor predisposition syndrome 2. Last evaluated: 2026-07-06. Review status: criteria provided, single submitter. Criteria: Myriad Autosomal Dominant, Autosomal Recessive and X-Linked Classification Criteria (2023). Collection method: clinical testing. Allele origin: unknown.
Comment: This variant is considered likely benign. This variant is intronic and is not expected to impact mRNA splicing.

Labcorp Genetics (formerly Invitae), Labcorp
Classification: Likely benign for Rhabdoid tumor predisposition syndrome 2. Last evaluated: 2026-01-25. Review status: criteria provided, single submitter. Criteria: Invitae Variant Classification Sherloc (09022015). Collection method: clinical testing. Allele origin: germline.

Genome-Nilou Lab
Classification: Likely benign for Intellectual disability, autosomal dominant 16. Last evaluated: 2021-07-15. Review status: criteria provided, single submitter. Criteria: ACMG Guidelines, 2015. Collection method: clinical testing. Allele origin: germline. Affected: no.

Illumina Laboratory Services, Illumina
Classification: Benign for Coffin-Siris syndrome. Last evaluated: 2018-01-12. Review status: criteria provided, single submitter. Criteria: ICSL Variant Classification Criteria 13 December 2019. Collection method: clinical testing. Allele origin: germline.
Comment: This variant was observed in the ICSL laboratory as part of a predisposition screen in an ostensibly healthy population. It had not been previously curated by ICSL or reported in the Human Gene Mutation Database (HGMD: prior to June 1st, 2018), and was therefore a candidate for classification through an automated scoring system. Utilizing variant allele frequency, disease prevalence and penetrance estimates, and inheritance mode, an automated score was calculated to assess if this variant is too frequent to cause the disease. Based on the score and internal cut-off values, a variant classified as benign is not then subjected to further curation. The score for this variant resulted in a classification of benign for this disease.

NM_003072.5(SMARCA4):c.355+9C>T

Gene: SMARCA4 (SWI/SNF related BAF chromatin remodeling complex subunit ATPase 4; plus strand). Cytogenetic location: 19p13.2.
Variant type: single nucleotide variant.
Coding change: c.355+9C>T on transcript NM_003072.5 (MANE Select); 9 bases into the intron after coding-DNA position 355, C replaced by T.
Molecular consequence: intron variant.
Genome position (GRCh38, 1-based): chr19:10,985,414, C>T. VCF-style: chr19-10985414-C-T. GRCh37 (hg19) VCF-style: chr19-11096090-C-T.
Other names: c.355+9C>T (NM_001128844.3, NM_001128849.3, NM_001128847.4 and 5 more transcripts).
Identifiers: ClinVar variation 328020 (VCV000328020.18), dbSNP rs767575401, ClinGen allele CA9203463.